The following is an entry in ClinVar:

NM_001113491.2(SEPTIN9):c.*709C>T

Gene: SEPTIN9 (septin 9; plus strand). Cytogenetic location: 17q25.3.
Variant type: single nucleotide variant.
Coding change: c.*709C>T on transcript NM_001113491.2 (MANE Select); 709 bases downstream of the stop codon, C replaced by T.
Molecular consequence: 3 prime UTR variant.
Genome position (GRCh38, 1-based): chr17:77,499,367, C>T. VCF-style: chr17-77499367-C-T. GRCh37 (hg19) VCF-style: chr17-75495449-C-T.
Other names: c.*709C>T (NM_001113492.2, NM_001113493.2, NM_001113494.1 and 7 more transcripts).
Identifiers: ClinVar variation 325593 (VCV000325593.5), dbSNP rs146084702, ClinGen allele CA8794027.
Genomic context (GRCh38, chr17:77,499,367, plus strand): 5'-AGACTGCTTGGCCAGATGCGGGGACAGGCTGGAATGAGGGAGGCGTCTTCATCTCCCTGC[C>T]ATCCCCCTCTCACGCCACCCCCGCCCCCACCGGGCTGCAGGTGCTGCTGATGCGCTGGGA-3'

ClinVar aggregate classification (germline): Benign (1 of 4 stars; one submission).

Conditions:
Amyotrophic neuralgia (HNA). Also called: AMYOTROPHY, HEREDITARY NEURALGIC; Hereditary Brachial Plexus Neuropathy; Neuritis with Brachial Predilection; AMYOTROPHY, HEREDITARY NEURALGIC, WITH PREDILECTION FOR BRACHIAL PLEXUS. Identifiers: Orphanet 2901, MedGen C1834304, MONDO:0008076, OMIM 162100.

Allele frequency attached by ClinVar (database versions not stated): 1000 Genomes Project 30x 0.00078; 1000 Genomes Project 0.00100; TOPMed 0.00309; gnomAD exomes 0.00319 and 0.00381; gnomAD 0.00336 and 0.00342; ESP Exome Variant Server 0.00350; ExAC 0.00436.
gnomAD v4.1: 2,133 of 577,458 alleles (0.37%); highest among the groups gnomAD compares: Non-Finnish European, 0.53%; 9 homozygotes.

Submission:

Illumina Laboratory Services, Illumina
Classification: Benign for Amyotrophy, hereditary neuralgic. Last evaluated: 2018-01-13. Review status: criteria provided, single submitter. Criteria: ICSL Variant Classification Criteria 13 December 2019. Collection method: clinical testing. Allele origin: germline.
Comment: This variant was observed in the ICSL laboratory as part of a predisposition screen in an ostensibly healthy population. It had not been previously curated by ICSL or reported in the Human Gene Mutation Database (HGMD: prior to June 1st, 2018), and was therefore a candidate for classification through an automated scoring system. Utilizing variant allele frequency, disease prevalence and penetrance estimates, and inheritance mode, an automated score was calculated to assess if this variant is too frequent to cause the disease. Based on the score and internal cut-off values, a variant classified as benign is not then subjected to further curation. The score for this variant resulted in a classification of benign for this disease.